The following is an entry in ClinVar:

ClinVar aggregate classification (germline): Uncertain significance (1 of 4 stars; one submission).

gnomAD v4.1: 1 of 1,604,920 alleles (0.000062%); highest among the groups gnomAD compares: Non-Finnish European, 0.000085%; no homozygotes.

Submission:

Labcorp Genetics (formerly Invitae), Labcorp
Classification: Uncertain significance. Last evaluated: 2024-12-16. Review status: criteria provided, single submitter. Criteria: Invitae Variant Classification Sherloc (09022015). Collection method: clinical testing. Allele origin: germline.
Comment: This sequence change replaces alanine, which is neutral and non-polar, with serine, which is neutral and polar, at codon 2297 of the COL7A1 protein (p.Ala2297Ser). This variant is not present in population databases (gnomAD no frequency). This variant has not been reported in the literature in individuals affected with COL7A1-related conditions. Invitae Evidence Modeling of protein sequence and biophysical properties (such as structural, functional, and spatial information, amino acid conservation, physicochemical variation, residue mobility, and thermodynamic stability) indicates that this missense variant is not expected to disrupt COL7A1 protein function with a negative predictive value of 95%. In summary, the available evidence is currently insufficient to determine the role of this variant in disease. Therefore, it has been classified as a Variant of Uncertain Significance.

NM_000094.4(COL7A1):c.6889G>T (p.Ala2297Ser)

Gene: COL7A1 (collagen type VII alpha 1 chain; minus strand). Cytogenetic location: 3p21.31.
Variant type: single nucleotide variant.
Coding change: c.6889G>T on transcript NM_000094.4 (MANE Select); coding-DNA position 6889, G replaced by T.
Protein change: p.Ala2297Ser; replaces alanine 2297 with serine.
Molecular consequence: missense variant.
Genome position (GRCh38, 1-based): chr3:48,572,682, C>A on the plus strand (G>T on the coding strand, the complement: COL7A1 is on the minus strand). VCF-style: chr3-48572682-C-A. GRCh37 (hg19) VCF-style: chr3-48610115-C-A.
Other names: short protein forms A2297S.
Identifiers: ClinVar variation 3671606 (VCV003671606.2).